The following is an entry in ClinVar:

NM_015114.3(ANKLE2):c.387T>A (p.Ala129=)

Gene: ANKLE2 (ankyrin repeat and LEM domain containing 2; minus strand). Cytogenetic location: 12q24.33.
Variant type: single nucleotide variant.
Coding change: c.387T>A on transcript NM_015114.3 (MANE Select); coding-DNA position 387, T replaced by A.
Protein change: p.Ala129=; no amino-acid change (alanine 129 retained).
Molecular consequence: synonymous variant.
Genome position (GRCh38, 1-based): chr12:132,754,928, A>T on the plus strand (T>A on the coding strand, the complement: ANKLE2 is on the minus strand). VCF-style: chr12-132754928-A-T. GRCh37 (hg19) VCF-style: chr12-133331514-A-T.
Identifiers: ClinVar variation 717450 (VCV000717450.42), dbSNP rs201151374, ClinGen allele CA6895988.

ClinVar aggregate classification (germline): Likely benign. Review status: criteria provided, multiple submitters, no conflicts (2 of 4 stars). 5 submissions from 5 submitters: Likely benign (5). Last evaluated 2026-05-01.

Allele frequency attached by ClinVar (database versions not stated): ExAC 0.00098; gnomAD exomes 0.00106; ESP Exome Variant Server 0.00140; gnomAD 0.00142 and 0.00143; TOPMed 0.00154; 1000 Genomes Project 0.00160; 1000 Genomes Project 30x 0.00172.

Submissions (5):

CeGaT Center for Human Genetics Tuebingen
Classification: Likely benign. Last evaluated: 2026-05-01. Review status: criteria provided, single submitter. Criteria: CeGaT Center For Human Genetics Tuebingen Variant Classification Criteria Version 2. Collection method: clinical testing. Allele origin: germline. Affected: yes. Observed: 6 variant alleles.
Comment: ANKLE2: BP4, BP7

Blueprint Genetics
Classification: Likely benign. Last evaluated: 2024-11-04. Review status: criteria provided, single submitter. Criteria: ACMG Guidelines, 2015. Collection method: clinical testing. Allele origin: germline.

GeneDx
Classification: Likely benign. Last evaluated: 2020-08-26. Review status: criteria provided, single submitter. Criteria: GeneDx Variant Classification Process June 2021. Collection method: clinical testing. Allele origin: germline. Affected: yes.

Labcorp Genetics (formerly Invitae), Labcorp
Classification: Likely benign. Last evaluated: 2019-12-31. Review status: criteria provided, single submitter. Criteria: Invitae Variant Classification Sherloc (09022015). Collection method: clinical testing. Allele origin: germline.

Breakthrough Genomics
Classification: Likely benign. Review status: criteria provided, single submitter. Criteria: ACMG Guidelines, 2015. Collection method: not provided. Allele origin: germline. Inheritance: Autosomal recessive inheritance. Affected: yes.